The following is an entry in ClinVar:

ClinVar aggregate classification (germline): Uncertain significance (1 of 4 stars; one submission).

Conditions:
Inborn genetic diseases. Identifiers: MedGen C0950123, MeSH D030342.

Submission:

Ambry Genetics
Classification: Uncertain significance for Inborn genetic diseases. Last evaluated: 2025-04-05. Review status: criteria provided, single submitter. Criteria: Ambry Variant Classification Scheme 2023. Collection method: clinical testing. Allele origin: germline.
Comment: The p.D209G variant (also known as c.626A>G), located in coding exon 2 of the GATA2 gene, results from an A to G substitution at nucleotide position 626. The aspartic acid at codon 209 is replaced by glycine, an amino acid with similar properties. This amino acid position is conserved. In addition, the in silico prediction for this alteration is inconclusive. Based on the available evidence, the clinical significance of this variant remains unclear.

NM_032638.5(GATA2):c.626A>G (p.Asp209Gly)

Gene: GATA2 (GATA binding protein 2; minus strand). Cytogenetic location: 3q21.3.
Variant type: single nucleotide variant.
Coding change: c.626A>G on transcript NM_032638.5 (MANE Select); coding-DNA position 626, A replaced by G.
Protein change: p.Asp209Gly; replaces aspartic acid 209 with glycine.
Molecular consequence: missense variant.
Genome position (GRCh38, 1-based): chr3:128,485,972, T>C on the plus strand (A>G on the coding strand, the complement: GATA2 is on the minus strand). VCF-style: chr3-128485972-T-C. GRCh37 (hg19) VCF-style: chr3-128204815-T-C.
Other names: c.626A>G, p.Asp209Gly (NM_001145661.2, NM_001145662.1); short protein forms D209G.
Identifiers: ClinVar variation 4028480 (VCV004028480.1).